The following is an entry in ClinVar:

ClinVar aggregate classification (germline): Uncertain significance (1 of 4 stars; one submission).

Submission:

Women's Health and Genetics/Laboratory Corporation of America, LabCorp
Classification: Uncertain significance. Last evaluated: 2023-07-11. Review status: criteria provided, single submitter. Criteria: LabCorp Variant Classification Summary - May 2015. Collection method: clinical testing. Allele origin: germline.
Comment: Variant summary: FAM149B1 c.1023G>C (p.Pro341Pro) results in a synonymous change to the encoded protein, but alters a non-conserved nucleotide located close to a canonical splice site and therefore could affect mRNA splicing, leading to a significantly altered protein sequence. Several computational tools predict a significant impact on normal splicing: Three predict the variant weakens the canonical 5' donor site and one predicts the variant to have no significant impact on splicing. However, these predictions have yet to be confirmed by functional studies. The variant was absent in 156354 control chromosomes (gnomAD). The available data on variant occurrences in the general population are insufficient to allow any conclusion about variant significance. To our knowledge, no occurrence of c.1023G>C in individuals affected with Joubert Syndrome 36 and no experimental evidence demonstrating its impact on protein function have been reported. No submitters have provided clinical-significance assessments for this variant to ClinVar after 2014. Based on the evidence outlined above, the variant was classified as uncertain significance.

NM_173348.2(FAM149B1):c.1023G>C (p.Pro341=)

Gene: FAM149B1 (family with sequence similarity 149 member B1; plus strand). Cytogenetic location: 10q22.2.
Variant type: single nucleotide variant.
Coding change: c.1023G>C on transcript NM_173348.2 (MANE Select); coding-DNA position 1023, G replaced by C.
Protein change: p.Pro341=; no amino-acid change (proline 341 retained).
Molecular consequence: synonymous variant.
Genome position (GRCh38, 1-based): chr10:73,228,184, G>C. VCF-style: chr10-73228184-G-C. GRCh37 (hg19) VCF-style: chr10-74987942-G-C.
Identifiers: ClinVar variation 2577200 (VCV002577200.1), dbSNP rs780876261, ClinGen allele CA470104427.